The following is an entry in ClinVar:

ClinVar aggregate classification (germline): Uncertain significance (1 of 4 stars; one submission).

Submission:

GeneDx
Classification: Uncertain significance. Last evaluated: 2024-05-28. Review status: criteria provided, single submitter. Criteria: GeneDx Variant Classification Process June 2021. Collection method: clinical testing. Allele origin: germline. Affected: yes.
Comment: Not observed at significant frequency in large population cohorts (gnomAD); In silico analysis indicates that this missense variant does not alter protein structure/function; Has not been previously published as pathogenic or benign to our knowledge

NM_005862.3(STAG1):c.3352A>T (p.Thr1118Ser)

Gene: STAG1 (STAG1 cohesin complex component; minus strand). Cytogenetic location: 3q22.3.
Variant type: single nucleotide variant.
Coding change: c.3352A>T on transcript NM_005862.3 (MANE Select); coding-DNA position 3352, A replaced by T.
Protein change: p.Thr1118Ser; replaces threonine 1118 with serine.
Molecular consequence: missense variant.
Genome position (GRCh38, 1-based): chr3:136,343,926, T>A on the plus strand (A>T on the coding strand, the complement: STAG1 is on the minus strand). VCF-style: chr3-136343926-T-A. GRCh37 (hg19) VCF-style: chr3-136062768-T-A.
Other names: short protein forms T1118S.
Identifiers: ClinVar variation 3383719 (VCV003383719.1).